The following is an entry in ClinVar:

NM_000179.3(MSH6):c.2300C>G (p.Thr767Ser)

Gene: MSH6 (mutS homolog 6; plus strand). Cytogenetic location: 2p16.3.
Variant type: single nucleotide variant.
Coding change: c.2300C>G on transcript NM_000179.3 (MANE Select); coding-DNA position 2300, C replaced by G.
Protein change: p.Thr767Ser; replaces threonine 767 with serine.
Molecular consequence: missense variant.
Genome position (GRCh38, 1-based): chr2:47,800,283, C>G. VCF-style: chr2-47800283-C-G. GRCh37 (hg19) VCF-style: chr2-48027422-C-G.
Other names: c.1910C>G, p.Thr637Ser (NM_001281492.2); c.1394C>G, p.Thr465Ser (NM_001281493.2, NM_001281494.2); short protein forms T767S, T465S, T637S.
Identifiers: ClinVar variation 419197 (VCV000419197.33), dbSNP rs587781462, ClinGen allele CA068793.

ClinVar aggregate classification (germline): Conflicting classifications of pathogenicity. Review status: criteria provided, conflicting classifications (1 of 4 stars). 12 submissions from 12 submitters: Uncertain significance (9); Likely benign (2). 1 of the submissions does not count toward it. Last evaluated 2025-11-19.

Conditions:
Lynch syndrome 5 (LYNCH5). Also called: Colorectal cancer, hereditary nonpolyposis, type 5; Hereditary non-polyposis colorectal cancer, type 5. Identifiers: Orphanet 144, MedGen C1833477, MONDO:0013710, OMIM 614350. Disease mechanism: loss of function.
Mismatch repair cancer syndrome 3. Identifiers: MedGen C5436807, MONDO:0030841, OMIM 619097.
Endometrial carcinoma. Also called: Endometrial carcinoma, somatic. Identifiers: MedGen C0476089, MONDO:0002447, OMIM 608089, HP:0012114.
Hereditary cancer-predisposing syndrome. Also called: Neoplastic Syndromes, Hereditary; Tumor predisposition; Hereditary Cancer Syndrome; Hereditary neoplastic syndrome. Identifiers: Orphanet 140162, MedGen C0027672, MeSH D009386, MONDO:0015356.
Mismatch repair cancer syndrome 1 (MMRCS1). Also called: BRAIN TUMOR-POLYPOSIS SYNDROME 1; BTP1 SYNDROME; CHILDHOOD CANCER SYNDROME; MISMATCH REPAIR DEFICIENCY; MMR DEFICIENCY. Identifiers: Orphanet 252202, MedGen C5399763, MONDO:0010159, OMIM 276300. Disease mechanism: loss of function.
Hereditary nonpolyposis colorectal neoplasms. Identifiers: MedGen C0009405, MeSH D003123.
Lynch syndrome. Identifiers: Orphanet 144, MedGen C4552100, MONDO:0005835. Disease mechanism: loss of function.

Allele frequency attached by ClinVar (database versions not stated): ExAC 0.00001; gnomAD 0.00001; gnomAD exomes 0.00002; TOPMed 0.00002.
gnomAD v4.1: 7 of 1,614,014 alleles (0.00043%); highest among the groups gnomAD compares: East Asian, 0.016%; no homozygotes.

Submissions (12):

Color Diagnostics, LLC DBA Color Health
Classification: Uncertain significance for Hereditary cancer-predisposing syndrome. Last evaluated: 2025-11-19. Review status: criteria provided, single submitter. Criteria: ACMG Guidelines, 2015. Collection method: clinical testing. Allele origin: germline.
Comment: This missense variant replaces threonine with serine at codon 767 of the MSH6 protein. Computational prediction suggests that this variant may have deleterious impact on protein structure and function. To our knowledge, functional studies have not been reported for this variant. This variant has been reported in an individual affected with colorectal cancer, who also carried a pathogenic truncation in the MLH1 gene that appeared to be responsible for the disease in the family (PMID: 25892863). This variant has also been reported in an individual affected with early onset colorectal cancer demonstrating high microsatellite instability and loss of PMS2 expression by IHC (PMID: 29212164). This variant has been identified in 7/1614014 chromosomes in the general population by the Genome Aggregation Database (gnomAD). The available evidence is insufficient to determine the role of this variant in disease conclusively. Therefore, this variant is classified as a Variant of Uncertain Significance.

Labcorp Genetics (formerly Invitae), Labcorp
Classification: Likely benign for Hereditary nonpolyposis colorectal neoplasms. Last evaluated: 2025-10-07. Review status: criteria provided, single submitter. Criteria: Invitae Variant Classification Sherloc (09022015). Collection method: clinical testing. Allele origin: germline.

Ambry Genetics
Classification: Uncertain significance for Hereditary cancer-predisposing syndrome. Last evaluated: 2024-08-19. Review status: criteria provided, single submitter. Criteria: Ambry Variant Classification Scheme 2023. Collection method: clinical testing. Allele origin: germline.
Comment: The p.T767S variant (also known as c.2300C>G), located in coding exon 4 of the MSH6 gene, results from a C to G substitution at nucleotide position 2300. The threonine at codon 767 is replaced by serine, an amino acid with similar properties. This variant was identified in a Chinese family with early-onset colorectal cancer and segregated with disease in 2/3 affected individuals; however, this variant also co-occurred with an MLH1 frameshift mutation that was present in all three affected individuals tested (Zhang JX et al. World J. Gastroenterol. 2015 Apr;21:4136-49). This alteration is also designated as p.Thr767Ser in published literature. This amino acid position is highly conserved in available vertebrate species. In addition, this alteration is predicted to be deleterious by in silico analysis. Since supporting evidence is limited at this time, the clinical significance of this alteration remains unclear.

Quest Diagnostics Nichols Institute San Juan Capistrano
Classification: Uncertain significance. Last evaluated: 2024-07-12. Review status: criteria provided, single submitter. Criteria: Quest Diagnostics criteria. Collection method: clinical testing. Allele origin: unknown.
Comment: The MSH6 c.2300C>G (p.Thr767Ser) variant has been reported in the published literature in an individual with early onset colorectal cancer (PMID: 29212164 (2017)). It has also been reported to occur with a pathogenic MLH1 truncating variant in multiple members of a family affected with colorectal cancer (PMID: 25892863 (2015)). In breast cancer screening studies, this variant has been seen both in individuals with breast cancer and reportedly healthy individuals (PMIDs: 30982232 (2019), 33471991 (2021) see also LOVD). The frequency of this variant in the general population, 0.00022 (4/18394 chromosomes (Genome Aggregation Database)), is uninformative in the assessment of its pathogenicity. Analysis of this variant using bioinformatics tools for the prediction of the effect of amino acid changes on protein structure and function yielded predictions that this variant is damaging. Based on the available information, we are unable to determine the clinical significance of this variant.

All of Us Research Program, National Institutes of Health
Classification: Uncertain significance for Lynch syndrome. Last evaluated: 2024-05-14. Review status: criteria provided, single submitter. Criteria: ACMG Guidelines, 2015. Collection method: clinical testing. Allele origin: germline. Inheritance: Autosomal dominant inheritance. Observed: 6 variant alleles, 6 heterozygotes.
Comment: This missense variant replaces threonine with serine at codon 767 of the MSH6 protein. Computational prediction suggests that this variant may have deleterious impact on protein structure and function (internally defined REVEL score threshold >= 0.7, PMID: 27666373). To our knowledge, functional studies have not been reported for this variant. This variant has been reported in an individual affected with colorectal cancer, who also carried a pathogenic truncation in the MLH1 gene that appeared to be responsible for the disease in the family (PMID: 25892863). This variant has been reported in an individual with significant family history of colorectal cancer that was affected with early onset colorectal cancer demonstrating high microsatellite instability (PMID: 29212164), and in an individual affected with breast cancer (DOI: 10.1101/2021.04.15.21255554v2). This variant has also been identified in 4/251156 chromosomes in the general population by the Genome Aggregation Database (gnomAD). A different variant affecting the same codon, c.2300C>T (p.Thr767Ile), is considered to be disease-causing (ClinVar variation ID: 141058), suggesting that this position is important for the protein function.The available evidence is insufficient to determine the role of this variant in disease conclusively. Therefore, this variant is classified as a Variant of Uncertain Significance.

This study involves interpretation of variants in research participants for the purpose of population health screening. Participant phenotype was not available at the time of variant classification. Additional details can be found in publication PMID: 35346344, PMCID: PMC8962531

Baylor Genetics
Classification: Uncertain significance for Endometrial carcinoma. Last evaluated: 2023-11-02. Review status: criteria provided, single submitter. Criteria: ACMG Guidelines, 2015. Collection method: clinical testing. Allele origin: unknown.

Myriad Genetics, Inc.
Classification: Likely benign for Lynch syndrome 5. Last evaluated: 2023-03-27. Review status: criteria provided, single submitter. Criteria: Myriad Autosomal Dominant, Autosomal Recessive and X-Linked Classification Criteria (2023). Collection method: clinical testing. Allele origin: unknown.
Comment: This variant is considered likely benign. Homozygosity for this variant has been confirmed in one or more individuals lacking clinical features consistent with gene-specific recessive disease, indicating that this variant is unlikely to be pathogenic.

GeneDx
Classification: Uncertain significance. Last evaluated: 2022-11-08. Review status: criteria provided, single submitter. Criteria: GeneDx Variant Classification Process June 2021. Collection method: clinical testing. Allele origin: germline. Affected: yes.
Comment: Not observed at significant frequency in large population cohorts (gnomAD); In silico analysis supports that this missense variant has a deleterious effect on protein structure/function; This variant is associated with the following publications: (PMID: 27601186, 25892863, 27093186, 25010007, 17531815, 21120944, 29212164)

Blueprint Genetics
Classification: Uncertain significance. Last evaluated: 2022-09-08. Review status: criteria provided, single submitter. Criteria: ACMG Guidelines, 2015. Collection method: clinical testing. Allele origin: germline.

Department of Pathology and Laboratory Medicine, Sinai Health System
Classification: Uncertain significance for Endometrial carcinoma; Lynch syndrome 5; Mismatch repair cancer syndrome 3. Last evaluated: 2019-12-27. Review status: criteria provided, single submitter. Criteria: ACMG Guidelines, 2015. Collection method: clinical testing. Allele origin: germline. Affected: yes.

Fulgent Genetics
Classification: Uncertain significance for Mismatch repair cancer syndrome 1; Endometrial carcinoma; Lynch syndrome 5. Last evaluated: 2018-10-31. Review status: criteria provided, single submitter. Criteria: ACMG Guidelines, 2015. Collection method: clinical testing. Allele origin: unknown.

Counsyl
Classification: Uncertain significance for Lynch syndrome 5. Last evaluated: 2016-12-21. Review status: no assertion criteria provided. Collection method: clinical testing. Allele origin: unknown. Not counted in ClinVar's aggregate classification.

Literature cited by the submitters: PubMed 25892863 (cited by 6 submitters); PubMed 29212164 (cited by 5 submitters); PubMed 33471991 (cited by Quest Diagnostics Nichols Institute San Juan Capistrano); PubMed 30982232 (cited by Quest Diagnostics Nichols Institute San Juan Capistrano).